The following is an entry in ClinVar:

NM_198692.3(KRTAP10-11):c.81T>C (p.Cys27=)

Genes: KRTAP10-11 (keratin associated protein 10-11; plus strand), TSPEAR (thrombospondin type laminin G domain and EAR repeats; minus strand). Cytogenetic location: 21q22.3.
Variant type: single nucleotide variant.
Coding change: c.81T>C on transcript NM_198692.3 (MANE Select); coding-DNA position 81, T replaced by C.
Protein change: p.Cys27=; no amino-acid change (cysteine 27 retained).
Molecular consequence: synonymous variant. On other transcripts: intron variant (2).
Genome position (GRCh38, 1-based): chr21:44,646,539, T>C. VCF-style: chr21-44646539-T-C. GRCh37 (hg19) VCF-style: chr21-46066456-T-C.
Other names: c.82+64894A>G (NM_144991.3); c.-123+44006A>G (NM_001272037.2).
Identifiers: ClinVar variation 2652775 (VCV002652775.24), dbSNP rs782713351, ClinGen allele CA10060728.

ClinVar aggregate classification (germline): Likely benign (1 of 4 stars; one submission).

Allele frequency attached by ClinVar (database versions not stated): ExAC 0.00001; gnomAD exomes 0.00002; gnomAD 0.00005; TOPMed 0.00006.
gnomAD v4.1: 40 of 1,612,502 alleles (0.0025%); highest among the groups gnomAD compares: African/African-American, 0.0067%; no homozygotes.

Submission:

CeGaT Center for Human Genetics Tuebingen
Classification: Likely benign. Last evaluated: 2023-04-01. Review status: criteria provided, single submitter. Criteria: CeGaT Center For Human Genetics Tuebingen Variant Classification Criteria Version 2. Collection method: clinical testing. Allele origin: germline. Affected: yes. Observed: 1 variant allele.
Comment: KRTAP10-11: BP4, BP7